The following is an entry in ClinVar:

ClinVar aggregate classification (germline): Uncertain significance (1 of 4 stars; one submission).

gnomAD v4.1: 4 of 1,613,828 alleles (0.00025%); highest among the groups gnomAD compares: Non-Finnish European, 0.00034%; no homozygotes.

Submission:

Laboratory for Molecular Medicine, Mass General Brigham Personalized Medicine
Classification: Uncertain significance. Last evaluated: 2013-09-19. Review status: criteria provided, single submitter. Criteria: LMM Criteria. Collection method: clinical testing. Allele origin: germline. Observed: 1 variant allele.
Comment: The Ile3480Thr variant in TTN has not been reported in individuals with cardiomy opathy or in large population studies. Computational analyses are limited or una vailable for this variant. Additional information is needed to fully assess the clinical significance of the Ile3480Thr variant.

NM_001267550.2(TTN):c.10577T>C (p.Ile3526Thr)

Gene: TTN (titin; minus strand). Cytogenetic location: 2q31.2.
Variant type: single nucleotide variant.
Coding change: c.10577T>C on transcript NM_001267550.2 (MANE Select); coding-DNA position 10577, T replaced by C.
Protein change: p.Ile3526Thr; replaces isoleucine 3526 with threonine.
Molecular consequence: missense variant. On other transcripts: intron variant (5).
Genome position (GRCh38, 1-based): chr2:178,757,643, A>G on the plus strand (T>C on the coding strand, the complement: TTN is on the minus strand). VCF-style: chr2-178757643-A-G. GRCh37 (hg19) VCF-style: chr2-179622370-A-G.
Other names: c.10439T>C, p.Ile3480Thr (NM_133432.3); c.10165+1341T>C (NM_003319.4); c.10166-846T>C (NM_133437.4); c.10303+1341T>C (NM_133378.4, NM_001256850.1, NM_133379.5); short protein forms I3480T, I3526T.
Identifiers: ClinVar variation 166288 (VCV000166288.5), dbSNP rs727503677, ClinGen allele CA179174.
Genomic context (GRCh38, chr2:178,757,643, plus strand): 5'-CCAGCACTATTGGCTGCTTTGCAAGAGTACTGCCCAGCATGCTCTGAGTAAGCATCAACT[A>G]TAAGCATTAAAGCCATGCCTGTGGACTCCTCAAAATGGAAAACTACATCTTTTGTTGGTA-3'
Protein context (NP_001254479.2, residues 3516-3536): EESTGMALML[Ile3526Thr]VDAYSEHAGQ